The following is an entry in ClinVar:

NM_020911.2(PLXNA4):c.5475C>T (p.Ser1825=)

Gene: PLXNA4 (plexin A4; minus strand). Cytogenetic location: 7q32.3.
Variant type: single nucleotide variant.
Coding change: c.5475C>T on transcript NM_020911.2 (MANE Select); coding-DNA position 5475, C replaced by T.
Protein change: p.Ser1825=; no amino-acid change (serine 1825 retained).
Molecular consequence: synonymous variant.
Genome position (GRCh38, 1-based): chr7:132,133,163, G>A on the plus strand (C>T on the coding strand, the complement: PLXNA4 is on the minus strand). VCF-style: chr7-132133163-G-A. GRCh37 (hg19) VCF-style: chr7-131817922-G-A.
Other names: c.5475C>T, p.Ser1825= (NM_001393897.1).
Identifiers: ClinVar variation 3055192 (VCV003055192.2), dbSNP rs114567124, ClinGen allele CA4488889.

ClinVar aggregate classification (germline): Likely benign (0 of 4 stars; one submission).

Conditions:
PLXNA4-related disorder. Also called: PLXNA4-related condition.

Allele frequency attached by ClinVar (database versions not stated): ExAC 0.00005; gnomAD exomes 0.00006; gnomAD 0.00008; 1000 Genomes Project 0.00040; 1000 Genomes Project 30x 0.00047.
gnomAD v4.1: 96 of 1,614,172 alleles (0.0059%); highest among the groups gnomAD compares: Non-Finnish European, 0.0075%; no homozygotes.

Submission:

PreventionGenetics, part of Exact Sciences
Classification: Likely benign for PLXNA4-related condition. Last evaluated: 2021-12-09. Review status: no assertion criteria provided. Collection method: clinical testing. Allele origin: germline.
Comment: This variant is classified as likely benign based on ACMG/AMP sequence variant interpretation guidelines (Richards et al. 2015 PMID: 25741868, with internal and published modifications).